The following is an entry in ClinVar:

ClinVar aggregate classification (germline): Likely benign (1 of 4 stars; one submission).

gnomAD v4.1: 26 of 1,613,958 alleles (0.0016%); highest among the groups gnomAD compares: Middle Eastern, 0.13%; no homozygotes.

Submission:

Women's Health and Genetics/Laboratory Corporation of America, LabCorp
Classification: Likely benign. Last evaluated: 2024-09-03. Review status: criteria provided, single submitter. Criteria: LabCorp Variant Classification Summary - May 2015. Collection method: clinical testing. Allele origin: germline.
Comment: Variant summary: PSEN1 c.457C>T alters a conserved nucleotide resulting in a synonymous change. Consensus agreement among computation tools predict no significant impact on normal splicing. However, these predictions have yet to be confirmed by functional studies. The variant allele was found at a frequency of 5.2e-05 in 251446 control chromosomes. This frequency is not significantly higher than estimated for a pathogenic variant in PSEN1 causing Alzheimer Disease, Type 3, allowing no conclusion about variant significance. To our knowledge, no occurrence of c.457C>T in individuals affected with Alzheimer Disease, Type 3 and no experimental evidence demonstrating its impact on protein function have been reported. No submitters have cited clinical-significance assessments for this variant to ClinVar. Based on the evidence outlined above, the variant was classified as likely benign.

NM_000021.4(PSEN1):c.457C>T (p.Leu153=)

Gene: PSEN1 (presenilin 1; plus strand). Cytogenetic location: 14q24.2.
Variant type: single nucleotide variant.
Coding change: c.457C>T on transcript NM_000021.4 (MANE Select); coding-DNA position 457, C replaced by T.
Protein change: p.Leu153=; no amino-acid change (leucine 153 retained).
Molecular consequence: synonymous variant.
Genome position (GRCh38, 1-based): chr14:73,173,684, C>T. VCF-style: chr14-73173684-C-T. GRCh37 (hg19) VCF-style: chr14-73640392-C-T.
Other names: c.445C>T, p.Leu149= (NM_007318.3).
Identifiers: ClinVar variation 3375126 (VCV003375126.1).